The following is an entry in ClinVar:

NM_004999.4(MYO6):c.*3288T>C

Gene: MYO6 (myosin VI; plus strand). Cytogenetic location: 6q14.1.
Variant type: single nucleotide variant.
Coding change: c.*3288T>C on transcript NM_004999.4 (MANE Select); 3288 bases downstream of the stop codon, T replaced by C.
Molecular consequence: 3 prime UTR variant. On other transcripts: non-coding transcript variant (1).
Genome position (GRCh38, 1-based): chr6:75,918,300, T>C. VCF-style: chr6-75918300-T-C. GRCh37 (hg19) VCF-style: chr6-76628017-T-C.
Other names: c.*3288T>C (NM_001300899.2, NM_001368136.1, NM_001368137.1 and 3 more transcripts).
Identifiers: ClinVar variation 910895 (VCV000910895.4), dbSNP rs118121148, ClinGen allele CA141063294.

ClinVar aggregate classification (germline): Conflicting classifications of pathogenicity. Review status: criteria provided, conflicting classifications (1 of 4 stars). 2 submissions from 1 submitter: Uncertain significance (1); Likely benign (1). Last evaluated 2018-01-12.

Conditions:
Autosomal recessive nonsyndromic hearing loss 37. Identifiers: Orphanet 90636, MedGen C1843028, MONDO:0011912, OMIM 607821.
Autosomal dominant nonsyndromic hearing loss 22. Also called: DFNA 22; Autosomal dominant nonsyndromic deafness 22. Identifiers: Orphanet 228012, MedGen C2931767, MONDO:0011660, OMIM 606346.

Allele frequency attached by ClinVar (database versions not stated): 1000 Genomes Project 30x 0.00234; 1000 Genomes Project 0.00240; gnomAD 0.00504 and 0.00533; TOPMed 0.00557; gnomAD exomes 0.07143.
gnomAD v4.1: 771 of 151,712 alleles (0.51%); highest among the groups gnomAD compares: Non-Finnish European, 0.86%; 4 homozygotes.

Submissions (2):

Illumina Laboratory Services, Illumina
Classification: Uncertain significance for Autosomal recessive nonsyndromic hearing loss 37. Last evaluated: 2018-01-12. Review status: criteria provided, single submitter. Criteria: ICSL Variant Classification Criteria 13 December 2019. Collection method: clinical testing. Allele origin: germline.

Illumina Laboratory Services, Illumina
Classification: Likely benign for Autosomal dominant nonsyndromic hearing loss 22. Last evaluated: 2018-01-12. Review status: criteria provided, single submitter. Criteria: ICSL Variant Classification Criteria 13 December 2019. Collection method: clinical testing. Allele origin: germline.
Comment: This variant was observed in the ICSL laboratory as part of a predisposition screen in an ostensibly healthy population. It had not been previously curated by ICSL or reported in the Human Gene Mutation Database (HGMD: prior to June 1st, 2018), and was therefore a candidate for classification through an automated scoring system. Utilizing variant allele frequency, disease prevalence and penetrance estimates, and inheritance mode, an automated score was calculated to assess if this variant is too frequent to cause the disease. Based on the score and internal cut-off values, a variant classified as likely benign is not then subjected to further curation. The score for this variant resulted in a classification of likely benign for this disease.